The following is an entry in ClinVar:

NC_000012.11:g.(?_12300280)_(12303992_?)del

Gene: LRP6 (LDL receptor related protein 6; minus strand). Cytogenetic location: 12p13.2.
Variant type: Deletion.
Identifiers: ClinVar variation 3244379 (VCV003244379.1).

ClinVar aggregate classification (germline): Uncertain significance (1 of 4 stars; one submission).

Submission:

Labcorp Genetics (formerly Invitae), Labcorp
Classification: Uncertain significance. Last evaluated: 2023-10-08. Review status: criteria provided, single submitter. Criteria: Invitae Variant Classification Sherloc (09022015). Collection method: clinical testing. Allele origin: unknown.
Comment: This variant is a gross deletion of the genomic region encompassing exon(s) 13-15 of the LRP6 gene. This variant would be expected to be in-frame, preserving the integrity of the reading frame. This variant has not been reported in the literature in individuals affected with LRP6-related conditions. Experimental studies and prediction algorithms are not available or were not evaluated, and the functional significance of this variant is currently unknown. This variant disrupts a region of the LRP6 protein in which other variant(s) (p.Met947Thr) have been observed in individuals with LRP6-related conditions (PMID: 34759310). This suggests that this is a clinically significant region of the protein, and that variants that disrupt it are likely to be disease-causing. In summary, the available evidence is currently insufficient to determine the role of this variant in disease. Therefore, it has been classified as a Variant of Uncertain Significance.

Literature cited by the submitters: PubMed 34759310.